The following is an entry in ClinVar:

NM_001042492.3(NF1):c.2465del (p.Gly822fs)

Gene: NF1 (neurofibromin 1; plus strand). Cytogenetic location: 17q11.2.
Variant type: Deletion.
Coding change: c.2465del on transcript NM_001042492.3 (MANE Select); coding-DNA position 2465, one base deleted (G; older notation c.2465delG).
Protein change: p.Gly822fs; shifts the reading frame from glycine 822.
Molecular consequence: frameshift variant.
Genome position (GRCh38, 1-based): chr17:31,229,080, G deleted; the last of 2 consecutive G bases (chr17:31,229,079-31,229,080); deleting either gives the same sequence. VCF-style (leftmost placement, unchanged base first): chr17-31229078-TG-T. GRCh37 (hg19) VCF-style: chr17-29556096-TG-T.
Other names: c.2465delG, p.Gly822Glufs (NM_000267.4); short protein forms G822fs.
Identifiers: ClinVar variation 2835972 (VCV002835972.3), dbSNP rs2508182080, ClinGen allele CA2739267355.

ClinVar aggregate classification (germline): Pathogenic (1 of 4 stars; one submission).

Conditions:
Neurofibromatosis, type 1 (NF1). Also called: VON RECKLINGHAUSEN DISEASE; NEUROFIBROMATOSIS, TYPE I, SOMATIC; Neurofibromatosis, type I; Peripheral type neurofibromatosis. Identifiers: Orphanet 636, MedGen C0027831, MONDO:0018975, OMIM 162200. Disease mechanism: loss of function.

Submission:

Labcorp Genetics (formerly Invitae), Labcorp
Classification: Pathogenic for Neurofibromatosis, type 1. Last evaluated: 2023-07-06. Review status: criteria provided, single submitter. Criteria: Invitae Variant Classification Sherloc (09022015). Collection method: clinical testing. Allele origin: germline.
Comment: For these reasons, this variant has been classified as Pathogenic. Algorithms developed to predict the effect of sequence changes on RNA splicing suggest that this variant may create or strengthen a splice site. This variant has not been reported in the literature in individuals affected with NF1-related conditions. This variant is not present in population databases (gnomAD no frequency). This sequence change creates a premature translational stop signal (p.Gly822Glufs*5) in the NF1 gene. It is expected to result in an absent or disrupted protein product. Loss-of-function variants in NF1 are known to be pathogenic (PMID: 10712197, 23913538).

Literature cited by the submitters: PubMed 10712197; PubMed 23913538.